The following is an entry in ClinVar:

ClinVar aggregate classification (germline): Uncertain significance (1 of 4 stars; one submission).

gnomAD v4.1: 4 of 1,614,120 alleles (0.00025%); highest among the groups gnomAD compares: Non-Finnish European, 0.00034%; no homozygotes.

Submission:

Dasa
Classification: Uncertain significance. Last evaluated: 2026-06-08. Review status: criteria provided, single submitter. Criteria: DASA Assertion Criteria. Collection method: clinical testing. Allele origin: germline.
Comment: NM_182961.4(SYNE1):c.10589C>G (p.Thr3530Arg) is a missense variant that results in the substitution of threonine with arginine. This variant is rare in population databases. Computational prediction algorithms are consistent with a benign effect. The currently available literature and clinical evidence are not sufficient to establish a definitive association between this variant and the reported condition. Therefore, this variant is classified as a variant of uncertain significance.

NM_182961.4(SYNE1):c.10589C>G (p.Thr3530Arg)

Gene: SYNE1 (spectrin repeat containing nuclear envelope protein 1; minus strand). Cytogenetic location: 6q25.2.
Variant type: single nucleotide variant.
Coding change: c.10589C>G on transcript NM_182961.4 (MANE Select); coding-DNA position 10589, C replaced by G.
Protein change: p.Thr3530Arg; replaces threonine 3530 with arginine.
Molecular consequence: missense variant.
Genome position (GRCh38, 1-based): chr6:152,358,392, G>C on the plus strand (C>G on the coding strand, the complement: SYNE1 is on the minus strand). VCF-style: chr6-152358392-G-C. GRCh37 (hg19) VCF-style: chr6-152679527-G-C.
Other names: c.10610C>G, p.Thr3537Arg (NM_033071.5); short protein forms T3530R, T3537R.
Identifiers: ClinVar variation 5020416 (VCV005020416.1).